The following is an entry in ClinVar:

ClinVar aggregate classification (germline): Likely benign. Review status: criteria provided, multiple submitters, no conflicts (2 of 4 stars). 2 submissions from 2 submitters: Likely benign (2). Last evaluated 2026-05-11.

Conditions:
Neurofibromatosis, type 1 (NF1). Also called: VON RECKLINGHAUSEN DISEASE; NEUROFIBROMATOSIS, TYPE I, SOMATIC; Neurofibromatosis, type I; Peripheral type neurofibromatosis. Identifiers: Orphanet 636, MedGen C0027831, MONDO:0018975, OMIM 162200. Disease mechanism: loss of function.

Allele frequency attached by ClinVar (database versions not stated): gnomAD exomes 0.00001.
gnomAD v4.1: 18 of 1,611,162 alleles (0.0011%); highest among the groups gnomAD compares: Non-Finnish European, 0.0014%; no homozygotes.

Submissions (2):

Myriad Genetics, Inc.
Classification: Likely benign for Neurofibromatosis, type 1. Last evaluated: 2026-05-11. Review status: criteria provided, single submitter. Criteria: Myriad Autosomal Dominant, Autosomal Recessive and X-Linked Classification Criteria (2023). Collection method: clinical testing. Allele origin: unknown.
Comment: This variant is considered likely benign. This variant is intronic and is not expected to impact mRNA splicing.

Labcorp Genetics (formerly Invitae), Labcorp
Classification: Likely benign for Neurofibromatosis, type 1. Last evaluated: 2025-12-08. Review status: criteria provided, single submitter. Criteria: Invitae Variant Classification Sherloc (09022015). Collection method: clinical testing. Allele origin: germline.

NM_001042492.3(NF1):c.587-16A>C

Gene: NF1 (neurofibromin 1; plus strand). Cytogenetic location: 17q11.2.
Variant type: single nucleotide variant.
Coding change: c.587-16A>C on transcript NM_001042492.3 (MANE Select); 16 bases into the intron before coding-DNA position 587, A replaced by C.
Molecular consequence: intron variant.
Genome position (GRCh38, 1-based): chr17:31,181,406, A>C. VCF-style: chr17-31181406-A-C. GRCh37 (hg19) VCF-style: chr17-29508424-A-C.
Other names: c.587-16A>C (NM_000267.4, NM_001128147.3).
Identifiers: ClinVar variation 2892624 (VCV002892624.4), dbSNP rs1253121846, ClinGen allele CA625465647.